The following is an entry in ClinVar:

NM_001099856.6(IKBKG):c.148C>T (p.Arg50Cys)

Genes: G6PD (glucose-6-phosphate dehydrogenase; minus strand), IKBKG (inhibitor of nuclear factor kappa B kinase regulatory subunit gamma; plus strand), LOC108281126 (G6PD and IKBKG intron CAGE-defined low expression enhancer; plus strand). Cytogenetic location: Xq28.
Variant type: single nucleotide variant.
Coding change: c.148C>T on transcript NM_001099856.6; coding-DNA position 148, C replaced by T.
Protein change: p.Arg50Cys; replaces arginine 50 with cysteine.
Molecular consequence: missense variant. On other transcripts: intron variant (6).
Genome position (GRCh38, 1-based): chrX:154,542,411, C>T. VCF-style: chrX-154542411-C-T. GRCh37 (hg19) VCF-style: chrX-153770626-C-T.
Other names: NC_000023.10:g.153770626C>T; c.210+3625G>A (NM_000402.4); c.120+3625G>A (NM_001042351.3, NM_001360016.2); c.-16+1020C>T (NM_001377312.1, NM_001377313.1); c.-16+24C>T (NM_001321396.3); short protein forms R50C.
Identifiers: ClinVar variation 1699101 (VCV001699101.6), dbSNP rs189237568, ClinGen allele CA10566350.

ClinVar aggregate classification (germline): Likely benign. Review status: criteria provided, single submitter (1 of 4 stars). 2 submissions from 2 submitters: Likely benign (1). 1 of the submissions does not count toward it. Last evaluated 2022-02-02.

Conditions:
IKBKG-related disorder. Also called: IKBKG-related condition.
Ectodermal dysplasia and immunodeficiency 1 (EDAID1). Also called: Hyper-IgM immunodeficiency, X-linked, with hypohidrotic ectodermal dysplasia; ECTODERMAL DYSPLASIA, ANHIDROTIC, WITH IMMUNE DEFICIENCY; ECTODERMAL DYSPLASIA AND IMMUNE DEFICIENCY 1. Identifiers: Orphanet 238468, Orphanet 98813, MedGen C1846008, MONDO:0020740, OMIM 300291.

Allele frequency attached by ClinVar (database versions not stated): 1000 Genomes Project 0.00238; ESP Exome Variant Server 0.00049; gnomAD 0.00052 and 0.00076; 1000 Genomes Project 30x 0.00208; TOPMed 0.00041; gnomAD exomes 0.00125 and 0.00149; ExAC 0.00191.
gnomAD v4.1: 1,402 of 1,197,439 alleles (0.12%); highest among the groups gnomAD compares: South Asian, 1.3%; 4 homozygotes.

Submissions (3):

Victorian Clinical Genetics Services, Murdoch Childrens Research Institute
Classification: Likely benign for Ectodermal dysplasia and immunodeficiency 1. Last evaluated: 2022-02-02. Review status: criteria provided, single submitter. Criteria: ACMG Guidelines, 2015. Collection method: clinical testing. Allele origin: germline.
Comment: Based on the classification scheme VCGS_Germline_v1.3.4, this variant is classified as likely benign. Following criteria are met: 0308 - Population frequency for this variant is out of keeping with known incidence of ectodermal dysplasia and immunodeficiency 1 (MIM#300291), X-linked recessive immunodeficiency 33 (MIM#300636), and incontinentia pigmenti (MIM#308300). (SB) Legend: (SP) - Supporting pathogenic, (I) - Information, (SB) - Supporting benign

PreventionGenetics, part of Exact Sciences
Classification: Likely benign for IKBKG-related condition. Last evaluated: 2020-02-17. Review status: no assertion criteria provided. Collection method: clinical testing. Allele origin: germline. Not counted in ClinVar's aggregate classification.
Comment: This variant is classified as likely benign based on ACMG/AMP sequence variant interpretation guidelines (Richards et al. 2015 PMID: 25741868, with internal and published modifications).

Dr. Peter K. Rogan Lab, Western University
No classification provided (evidence only). Condition: Hepatocellular carcinoma. Review status: no classification provided. Collection method: in vitro. Allele origin: not applicable. Functional consequence: retained intron. Not counted in ClinVar's aggregate classification.